The following is an entry in ClinVar:

ClinVar aggregate classification (germline): Uncertain significance (1 of 4 stars; one submission).

Allele frequency attached by ClinVar (database versions not stated): gnomAD 0.00001; gnomAD exomes 0.00001.

Submission:

Labcorp Genetics (formerly Invitae), Labcorp
Classification: Uncertain significance. Last evaluated: 2022-01-01. Review status: criteria provided, single submitter. Criteria: Invitae Variant Classification Sherloc (09022015). Collection method: clinical testing. Allele origin: germline.
Comment: In summary, the available evidence is currently insufficient to determine the role of this variant in disease. Therefore, it has been classified as a Variant of Uncertain Significance. Variants that disrupt the consensus splice site are a relatively common cause of aberrant splicing (PMID: 17576681, 9536098). Algorithms developed to predict the effect of sequence changes on RNA splicing suggest that this variant is not likely to affect RNA splicing. This variant has not been reported in the literature in individuals affected with PLEKHM2-related conditions. This variant is present in population databases (no rsID available, gnomAD 0.003%). This sequence change falls in intron 11 of the PLEKHM2 gene. It does not directly change the encoded amino acid sequence of the PLEKHM2 protein. It affects a nucleotide within the consensus splice site.

Literature cited by the submitters: PubMed 17576681; PubMed 9536098.

NM_015164.4(PLEKHM2):c.1921+6C>T

Gene: PLEKHM2 (pleckstrin homology and RUN domain containing M2; plus strand). Cytogenetic location: 1p36.21.
Variant type: single nucleotide variant.
Coding change: c.1921+6C>T on transcript NM_015164.4 (MANE Select); 6 bases into the intron after coding-DNA position 1921, C replaced by T.
Molecular consequence: intron variant.
Genome position (GRCh38, 1-based): chr1:15,728,363, C>T. VCF-style: chr1-15728363-C-T. GRCh37 (hg19) VCF-style: chr1-16054858-C-T.
Identifiers: ClinVar variation 1363455 (VCV001363455.6), dbSNP rs1451525606, ClinGen allele CA521279540.